The following is an entry in ClinVar:

NM_001458.5(FLNC):c.1328C>T (p.Ala443Val)

Gene: FLNC (filamin C; plus strand). Cytogenetic location: 7q32.1.
Variant type: single nucleotide variant.
Coding change: c.1328C>T on transcript NM_001458.5 (MANE Select); coding-DNA position 1328, C replaced by T.
Protein change: p.Ala443Val; replaces alanine 443 with valine.
Molecular consequence: missense variant.
Genome position (GRCh38, 1-based): chr7:128,838,720, C>T. VCF-style: chr7-128838720-C-T. GRCh37 (hg19) VCF-style: chr7-128478774-C-T.
Other names: c.1328C>T, p.Ala443Val (NM_001127487.2); short protein forms A443V.
Identifiers: ClinVar variation 843845 (VCV000843845.11), dbSNP rs1808207788, ClinGen allele CA16622129.

ClinVar aggregate classification (germline): Conflicting classifications of pathogenicity. Review status: criteria provided, conflicting classifications (1 of 4 stars). 3 submissions from 3 submitters: Uncertain significance (2); Likely benign (1). Last evaluated 2025-10-26.

Conditions:
Myofibrillar myopathy 5. Also called: Filaminopathy (type); FILAMINOPATHY, AUTOSOMAL DOMINANT. Identifiers: Orphanet 171445, MedGen C1836050, MONDO:0012289, OMIM 609524.
Distal myopathy with posterior leg and anterior hand involvement. Also called: WILLIAMS DISTAL MYOPATHY. Identifiers: Orphanet 63273, MedGen C3279722, MONDO:0013550, OMIM 614065.
Hypertrophic cardiomyopathy 26. Also called: Cardiomyopathy, familial hypertrophic, 26. Identifiers: Orphanet 75249, MedGen C4310749, MONDO:0014883, OMIM 617047.
Cardiovascular phenotype. Identifiers: MedGen CN230736.

Allele frequency attached by ClinVar (database versions not stated): gnomAD 0.00001; gnomAD exomes 0.00001.
gnomAD v4.1: 19 of 1,612,972 alleles (0.0012%); highest among the groups gnomAD compares: African/African-American, 0.004%; no homozygotes.

Submissions (3):

Labcorp Genetics (formerly Invitae), Labcorp
Classification: Uncertain significance for Distal myopathy with posterior leg and anterior hand involvement; Myofibrillar myopathy 5; Hypertrophic cardiomyopathy 26. Last evaluated: 2025-10-26. Review status: criteria provided, single submitter. Criteria: Invitae Variant Classification Sherloc (09022015). Collection method: clinical testing. Allele origin: germline.
Comment: This sequence change replaces alanine, which is neutral and non-polar, with valine, which is neutral and non-polar, at codon 443 of the FLNC protein (p.Ala443Val). This variant is not present in population databases (gnomAD no frequency). This variant has not been reported in the literature in individuals affected with FLNC-related conditions. ClinVar contains an entry for this variant (Variation ID: 843845). An algorithm developed to predict the effect of missense changes on protein structure and function outputs the following: PolyPhen-2: "Benign". The valine amino acid residue is found in multiple mammalian species, which suggests that this missense change does not adversely affect protein function. In summary, the available evidence is currently insufficient to determine the role of this variant in disease. Therefore, it has been classified as a Variant of Uncertain Significance.

Ambry Genetics
Classification: Likely benign for Cardiovascular phenotype. Last evaluated: 2025-02-25. Review status: criteria provided, single submitter. Criteria: Ambry Variant Classification Scheme 2023. Collection method: clinical testing. Allele origin: germline.

Fulgent Genetics
Classification: Uncertain significance for Myofibrillar myopathy 5; Distal myopathy with posterior leg and anterior hand involvement; Hypertrophic cardiomyopathy 26. Last evaluated: 2021-10-19. Review status: criteria provided, single submitter. Criteria: ACMG Guidelines, 2015. Collection method: clinical testing. Allele origin: unknown.